The following is an entry in ClinVar:

NM_000548.5(TSC2):c.774+3G>A

Gene: TSC2 (TSC complex subunit 2; plus strand). Cytogenetic location: 16p13.3.
Variant type: single nucleotide variant.
Coding change: c.774+3G>A on transcript NM_000548.5 (MANE Select); 3 bases into the intron after coding-DNA position 774, G replaced by A.
Molecular consequence: intron variant.
Genome position (GRCh38, 1-based): chr16:2,056,772, G>A. VCF-style: chr16-2056772-G-A. GRCh37 (hg19) VCF-style: chr16-2106773-G-A.
Other names: c.-658+3G>A (NM_001406693.1, NM_001406689.1, NM_001406690.1 and 4 more transcripts); c.864+3G>A (NM_001406667.1, NM_001406668.1); c.174+3G>A (NM_001406680.1, NM_001406683.1, NM_001406687.1 and 6 more transcripts); c.-834+3G>A (NM_001406698.1); c.774+3G>A (NM_001114382.3, NM_001406663.1, NM_001406664.1 and 6 more transcripts); c.-539+3G>A (NM_001406694.1, NM_001406695.1); c.762+3G>A (NM_001406671.1, NM_001406673.1); c.312+3G>A (NM_001406681.1); and 4 more.
Identifiers: ClinVar variation 2711514 (VCV002711514.4), dbSNP rs2151081990, ClinGen allele CA2590038708.
Genomic context (GRCh38, chr16:2,056,772, plus strand): 5'-CATCGTTACCCTCTGTCGCACCATCAACGTCAAGGAGCTCTGCGAGCCTTGCTGGAAGGT[G>A]GGGTTTCTGAAACTGCTCTGGAAGGTTCCTGAGAGCACATGGATGGGACAAGGGCCATCC-3'

ClinVar aggregate classification (germline): Conflicting classifications of pathogenicity. Review status: criteria provided, conflicting classifications (1 of 4 stars). 2 submissions from 2 submitters: Uncertain significance (1); Likely benign (1). Last evaluated 2025-08-20.

Conditions:
Tuberous sclerosis 2 (TSC2). Identifiers: Orphanet 805, MedGen C1860707, MONDO:0013199, OMIM 613254.

Allele frequency attached by ClinVar (database versions not stated): gnomAD 0.00001.
gnomAD v4.1: 2 of 1,607,358 alleles (0.00012%); highest among the groups gnomAD compares: East Asian, 0.0022%; no homozygotes.

Submissions (2):

Labcorp Genetics (formerly Invitae), Labcorp
Classification: Uncertain significance for Tuberous sclerosis 2. Last evaluated: 2025-08-20. Review status: criteria provided, single submitter. Criteria: Invitae Variant Classification Sherloc (09022015). Collection method: clinical testing. Allele origin: germline.
Comment: This sequence change falls in intron 8 of the TSC2 gene. It does not directly change the encoded amino acid sequence of the TSC2 protein. It affects a nucleotide within the consensus splice site. This variant is not present in population databases (gnomAD no frequency). This variant has not been reported in the literature in individuals affected with TSC2-related conditions. ClinVar contains an entry for this variant (Variation ID: 2711514). Variants that disrupt the consensus splice site are a relatively common cause of aberrant splicing (PMID: 17576681, 9536098). Algorithms developed to predict the effect of sequence changes on RNA splicing suggest that this variant is not likely to affect RNA splicing. In summary, the available evidence is currently insufficient to determine the role of this variant in disease. Therefore, it has been classified as a Variant of Uncertain Significance.

Myriad Genetics, Inc.
Classification: Likely benign for Tuberous sclerosis 2. Last evaluated: 2025-05-09. Review status: criteria provided, single submitter. Criteria: Myriad Autosomal Dominant, Autosomal Recessive and X-Linked Classification Criteria (2023). Collection method: clinical testing. Allele origin: unknown.
Comment: This variant is considered likely benign. This variant is intronic and is not expected to impact mRNA splicing.

Literature cited by the submitters: PubMed 17576681 (cited by Labcorp Genetics (formerly Invitae), Labcorp); PubMed 9536098 (cited by Labcorp Genetics (formerly Invitae), Labcorp).